The following is an entry in ClinVar:

NM_138694.4(PKHD1):c.12120A>C (p.Gln4040His)

Gene: PKHD1 (PKHD1 ciliary IPT domain containing fibrocystin/polyductin; minus strand). Cytogenetic location: 6p12.3.
Variant type: single nucleotide variant.
Coding change: c.12120A>C on transcript NM_138694.4 (MANE Select); coding-DNA position 12120, A replaced by C.
Protein change: p.Gln4040His; replaces glutamine 4040 with histidine.
Molecular consequence: missense variant.
Genome position (GRCh38, 1-based): chr6:51,619,186, T>G on the plus strand (A>C on the coding strand, the complement: PKHD1 is on the minus strand). VCF-style: chr6-51619186-T-G. GRCh37 (hg19) VCF-style: chr6-51483984-T-G.
Other names: c.12120A>C (NM_138694.3); short protein forms Q4040H.
Identifiers: ClinVar variation 2169741 (VCV002169741.5), dbSNP rs144399387, ClinGen allele CA3850614.
Genomic context (GRCh38, chr6:51,619,186, plus strand): 5'-GAATGCCTCAGTGGCCCCGCAGGAGGCTTTCTTCTCTTGGGAAAGCCCCAAGCTGCCACT[T>G]TGCTTACTCAGCCGACTTTGCCCTGGCAACTGCTGCCTCTCTTGTCTGAAGTCTGGGCAT-3'
Protein context (NP_619639.3, residues 4030-4050): QLPGQSRLSK[Gln4040His]SGSLGLSQEK

ClinVar aggregate classification (germline): Uncertain significance. Review status: criteria provided, multiple submitters, no conflicts (2 of 4 stars). 3 submissions from 3 submitters: Uncertain significance (2). 1 of the submissions does not count toward it. Last evaluated 2024-07-17.

Conditions:
PKHD1-related disorder. Also called: PKHD1-related condition.
Autosomal recessive polycystic kidney disease (ARPKD). Also called: AR polycystic kidney disease. Identifiers: Orphanet 731, Orphanet 8378, MedGen C0085548, MeSH D017044, MONDO:0009889.
Inborn genetic diseases. Identifiers: MedGen C0950123, MeSH D030342.

Allele frequency attached by ClinVar (database versions not stated): gnomAD exomes 0.00001; gnomAD 0.00002; TOPMed 0.00002; ExAC 0.00003; ESP Exome Variant Server 0.00008.
gnomAD v4.1: 22 of 1,614,120 alleles (0.0014%); highest among the groups gnomAD compares: Middle Eastern, 0.049%; no homozygotes.

Submissions (3):

Labcorp Genetics (formerly Invitae), Labcorp
Classification: Uncertain significance for Autosomal recessive polycystic kidney disease. Last evaluated: 2024-07-17. Review status: criteria provided, single submitter. Criteria: Invitae Variant Classification Sherloc (09022015). Collection method: clinical testing. Allele origin: germline.
Comment: This sequence change replaces glutamine, which is neutral and polar, with histidine, which is basic and polar, at codon 4040 of the PKHD1 protein (p.Gln4040His). This variant is present in population databases (rs144399387, gnomAD 0.01%). This variant has not been reported in the literature in individuals affected with PKHD1-related conditions. ClinVar contains an entry for this variant (Variation ID: 2169741). Advanced modeling of protein sequence and biophysical properties (such as structural, functional, and spatial information, amino acid conservation, physicochemical variation, residue mobility, and thermodynamic stability) performed at Invitae indicates that this missense variant is not expected to disrupt PKHD1 protein function with a negative predictive value of 95%. In summary, the available evidence is currently insufficient to determine the role of this variant in disease. Therefore, it has been classified as a Variant of Uncertain Significance.

Ambry Genetics
Classification: Uncertain significance for Inborn genetic diseases. Last evaluated: 2023-06-28. Review status: criteria provided, single submitter. Criteria: Ambry Variant Classification Scheme 2023. Collection method: clinical testing. Allele origin: germline.

PreventionGenetics, part of Exact Sciences
Classification: Uncertain significance for PKHD1-related condition. Last evaluated: 2024-04-16. Review status: no assertion criteria provided. Collection method: clinical testing. Allele origin: germline. Not counted in ClinVar's aggregate classification.
Comment: The PKHD1 c.12120A>C variant is predicted to result in the amino acid substitution p.Gln4040His. To our knowledge, this variant has not been reported in the literature. This variant is reported in 0.014% of alleles in individuals of Latino descent in gnomAD. At this time, the clinical significance of this variant is uncertain due to the absence of conclusive functional and genetic evidence.